The following is an entry in ClinVar:

ClinVar aggregate classification (germline): Pathogenic (1 of 4 stars; one submission).

Submission:

Labcorp Genetics (formerly Invitae), Labcorp
Classification: Pathogenic. Last evaluated: 2023-12-12. Review status: criteria provided, single submitter. Criteria: Invitae Variant Classification Sherloc (09022015). Collection method: clinical testing. Allele origin: germline.
Comment: This sequence change creates a premature translational stop signal (p.Ile1557Serfs*5) in the CACNA1F gene. It is expected to result in an absent or disrupted protein product. Loss-of-function variants in CACNA1F are known to be pathogenic (PMID: 9662399, 11281458, 17525176, 22194652, 24124559, 26992781). This variant is not present in population databases (gnomAD no frequency). This variant has not been reported in the literature in individuals affected with CACNA1F-related conditions. For these reasons, this variant has been classified as Pathogenic.

Literature cited by the submitters: PubMed 9662399; PubMed 11281458; PubMed 17525176; PubMed 22194652; PubMed 24124559; PubMed 26992781.

NM_001256789.3(CACNA1F):c.4636del (p.Ile1546fs)

Genes: CACNA1F (calcium voltage-gated channel subunit alpha1 F; minus strand), LOC126863257 (BRD4-independent group 4 enhancer GRCh37_chrX:49065732-49066931; plus strand). Cytogenetic location: Xp11.23.
Variant type: Deletion.
Coding change: c.4636del on transcript NM_001256789.3 (MANE Select); coding-DNA position 4636, one base deleted (A; older notation c.4636delA).
Protein change: p.Ile1546fs; shifts the reading frame from isoleucine 1546.
Molecular consequence: frameshift variant.
Genome position (GRCh38, 1-based): chrX:49,209,995, T deleted on the plus strand (A on the coding strand, the reverse complement: CACNA1F is on the minus strand). VCF-style (leftmost placement, unchanged base first): chrX-49209994-AT-A. GRCh37 (hg19) VCF-style: chrX-49066454-AT-A.
Other names: c.4474del, p.Ile1492fs (NM_001256790.3); c.4669del, p.Ile1557fs (NM_005183.4); short protein forms I1492fs, I1546fs, I1557fs.
Identifiers: ClinVar variation 2693209 (VCV002693209.3), dbSNP rs2520758253, ClinGen allele CA2697553107.